The following is an entry in ClinVar:

NM_173689.7(CRB2):c.3752G>A (p.Arg1251His)

Gene: CRB2 (crumbs cell polarity complex component 2; plus strand). Cytogenetic location: 9q33.3.
Variant type: single nucleotide variant.
Coding change: c.3752G>A on transcript NM_173689.7 (MANE Select); coding-DNA position 3752, G replaced by A.
Protein change: p.Arg1251His; replaces arginine 1251 with histidine.
Molecular consequence: missense variant. On other transcripts: non-coding transcript variant (1).
Genome position (GRCh38, 1-based): chr9:123,376,956, G>A. VCF-style: chr9-123376956-G-A. GRCh37 (hg19) VCF-style: chr9-126139235-G-A.
Other names: c.3752G>A (NM_173689.5, NM_173689.6); short protein forms R1251H.
Identifiers: ClinVar variation 2177131 (VCV002177131.30), dbSNP rs367801499, ClinGen allele CA5232607.

ClinVar aggregate classification (germline): Uncertain significance. Review status: criteria provided, multiple submitters, no conflicts (2 of 4 stars). 5 submissions from 5 submitters: Uncertain significance (5). Last evaluated 2026-06-26.

Conditions:
Inborn genetic diseases. Identifiers: MedGen C0950123, MeSH D030342.

Allele frequency attached by ClinVar (database versions not stated): gnomAD exomes 0.00005; TOPMed 0.00005; gnomAD 0.00006; ESP Exome Variant Server 0.00008; ExAC 0.00010.
gnomAD v4.1: 84 of 1,606,552 alleles (0.0052%); highest among the groups gnomAD compares: Admixed American, 0.019%; no homozygotes.

Submissions (5):

Ambry Genetics
Classification: Uncertain significance for Inborn genetic diseases. Last evaluated: 2026-06-26. Review status: criteria provided, single submitter. Criteria: Ambry Variant Classification Scheme 2023. Collection method: clinical testing. Allele origin: germline.
Comment: The c.3752G>A (p.R1251H) alteration is located in exon 13 (coding exon 13) of the CRB2 gene. This alteration results from a G to A substitution at nucleotide position 3752, causing the arginine (R) at amino acid position 1251 to be replaced by a histidine (H). Based on data from gnomAD, the A allele has an overall frequency of 0.008% (20/263898) total alleles studied. The highest observed frequency was 0.027% (9/33784) of Latino alleles. Based on insufficient or conflicting evidence, the clinical significance of this alteration remains unclear.

Women's Health and Genetics/Laboratory Corporation of America, LabCorp
Classification: Uncertain significance. Last evaluated: 2026-05-18. Review status: criteria provided, single submitter. Criteria: LabCorp Variant Classification Summary - May 2015. Collection method: clinical testing. Allele origin: germline.
Comment: Variant summary: CRB2 c.3752G>A (p.Arg1251His) results in a non-conservative amino acid change in the encoded protein sequence. Algorithms developed to predict the effect of missense changes on protein structure and function all suggest that this variant is likely to be disruptive. The variant allele was found at a frequency of 7.7e-05 in 232520 control chromosomes. This frequency is not significantly higher than estimated for disease-causing variants in CRB2, allowing no conclusion about variant significance. To our knowledge, no occurrence of c.3752G>A in individuals affected with CRB2-related conditions and no experimental evidence demonstrating its impact on protein function have been reported. ClinVar contains an entry for this variant (Variation ID: 2177131). Based on the evidence outlined above, the variant was classified as uncertain significance.

GeneDx
Classification: Uncertain significance. Last evaluated: 2024-02-07. Review status: criteria provided, single submitter. Criteria: GeneDx Variant Classification Process June 2021. Collection method: clinical testing. Allele origin: germline. Affected: yes.
Comment: In silico analysis supports that this missense variant has a deleterious effect on protein structure/function; Has not been previously published as pathogenic or benign to our knowledge

CeGaT Center for Human Genetics Tuebingen
Classification: Uncertain significance. Last evaluated: 2023-07-01. Review status: criteria provided, single submitter. Criteria: CeGaT Center For Human Genetics Tuebingen Variant Classification Criteria Version 2. Collection method: clinical testing. Allele origin: germline. Affected: yes. Observed: 1 variant allele.
Comment: CRB2: PM2, PP3, PP4

Labcorp Genetics (formerly Invitae), Labcorp
Classification: Uncertain significance. Last evaluated: 2022-02-10. Review status: criteria provided, single submitter. Criteria: Invitae Variant Classification Sherloc (09022015). Collection method: clinical testing. Allele origin: germline.
Comment: In summary, the available evidence is currently insufficient to determine the role of this variant in disease. Therefore, it has been classified as a Variant of Uncertain Significance. Algorithms developed to predict the effect of missense changes on protein structure and function are either unavailable or do not agree on the potential impact of this missense change (SIFT: "Deleterious"; PolyPhen-2: "Possibly Damaging"; Align-GVGD: "Class C0"). This variant has not been reported in the literature in individuals affected with CRB2-related conditions. This variant is present in population databases (rs367801499, gnomAD 0.03%). This sequence change replaces arginine, which is basic and polar, with histidine, which is basic and polar, at codon 1251 of the CRB2 protein (p.Arg1251His).